The following is an entry in ClinVar:

NM_021922.3(FANCE):c.1049C>A (p.Ala350Asp)

Gene: FANCE (FA complementation group E; plus strand). Cytogenetic location: 6p21.31.
Variant type: single nucleotide variant.
Coding change: c.1049C>A on transcript NM_021922.3 (MANE Select); coding-DNA position 1049, C replaced by A.
Protein change: p.Ala350Asp; replaces alanine 350 with aspartic acid.
Molecular consequence: missense variant.
Genome position (GRCh38, 1-based): chr6:35,458,376, C>A. VCF-style: chr6-35458376-C-A. GRCh37 (hg19) VCF-style: chr6-35426153-C-A.
Other names: c.1049C>A, p.Ala350Asp (NM_001410876.1); short protein forms A350D.
Identifiers: ClinVar variation 2067902 (VCV002067902.4), dbSNP rs2533672496, ClinGen allele CA363775205.

ClinVar aggregate classification (germline): Uncertain significance (1 of 4 stars; one submission).

Conditions:
Fanconi anemia complementation group E (FANCE). Also called: FANCE-Related Fanconi Anemia. Identifiers: Orphanet 84, MedGen C3160739, MONDO:0010953, OMIM 600901.

Submission:

Labcorp Genetics (formerly Invitae), Labcorp
Classification: Uncertain significance for Fanconi anemia complementation group E. Last evaluated: 2021-12-31. Review status: criteria provided, single submitter. Criteria: Invitae Variant Classification Sherloc (09022015). Collection method: clinical testing. Allele origin: germline.
Comment: In summary, the available evidence is currently insufficient to determine the role of this variant in disease. Therefore, it has been classified as a Variant of Uncertain Significance. Algorithms developed to predict the effect of missense changes on protein structure and function are either unavailable or do not agree on the potential impact of this missense change (SIFT: "Tolerated"; PolyPhen-2: "Possibly Damaging"; Align-GVGD: "Class C0"). This variant has not been reported in the literature in individuals affected with FANCE-related conditions. This variant is not present in population databases (gnomAD no frequency). This sequence change replaces alanine, which is neutral and non-polar, with aspartic acid, which is acidic and polar, at codon 350 of the FANCE protein (p.Ala350Asp).